The following is an entry in ClinVar:

ClinVar aggregate classification (germline): Conflicting classifications of pathogenicity. Review status: criteria provided, conflicting classifications (1 of 4 stars). 4 submissions from 4 submitters: Uncertain significance (1); Likely benign (3). Last evaluated 2025-12-03.

Conditions:
Inborn genetic diseases. Identifiers: MedGen C0950123, MeSH D030342.
Kleefstra syndrome 1 (KLEFS1). Identifiers: Orphanet 261494, MedGen C0795833, MONDO:0027407, OMIM 610253.

Allele frequency attached by ClinVar (database versions not stated): ExAC 0.00002; gnomAD exomes 0.00002 and 0.00007; gnomAD 0.00003 and 0.00004; TOPMed 0.00005.
gnomAD v4.1: 104 of 1,613,814 alleles (0.0064%); highest among the groups gnomAD compares: Non-Finnish European, 0.0085%; 1 homozygote.

Submissions (4):

Labcorp Genetics (formerly Invitae), Labcorp
Classification: Likely benign for Kleefstra syndrome 1. Last evaluated: 2025-12-03. Review status: criteria provided, single submitter. Criteria: Invitae Variant Classification Sherloc (09022015). Collection method: clinical testing. Allele origin: germline.

GeneDx
Classification: Uncertain significance. Last evaluated: 2023-01-27. Review status: criteria provided, single submitter. Criteria: GeneDx Variant Classification Process June 2021. Collection method: clinical testing. Allele origin: germline. Affected: yes.
Comment: In silico analysis supports that this missense variant has a deleterious effect on protein structure/function; Has not been previously published as pathogenic or benign to our knowledge

CeGaT Center for Human Genetics Tuebingen
Classification: Likely benign. Last evaluated: 2022-09-01. Review status: criteria provided, single submitter. Criteria: CeGaT Center For Human Genetics Tuebingen Variant Classification Criteria Version 2. Collection method: clinical testing. Allele origin: germline. Affected: yes. Observed: 1 variant allele.
Comment: EHMT1: BS2

Ambry Genetics
Classification: Likely benign for Inborn genetic diseases. Last evaluated: 2021-07-19. Review status: criteria provided, single submitter. Criteria: Ambry Variant Classification Scheme 2023. Collection method: clinical testing. Allele origin: germline.

NM_024757.5(EHMT1):c.2927T>G (p.Leu976Arg)

Gene: EHMT1 (euchromatic histone lysine methyltransferase 1; plus strand). Cytogenetic location: 9q34.3.
Variant type: single nucleotide variant.
Coding change: c.2927T>G on transcript NM_024757.5 (MANE Select); coding-DNA position 2927, T replaced by G.
Protein change: p.Leu976Arg; replaces leucine 976 with arginine.
Molecular consequence: missense variant.
Genome position (GRCh38, 1-based): chr9:137,813,065, T>G. VCF-style: chr9-137813065-T-G. GRCh37 (hg19) VCF-style: chr9-140707517-T-G.
Other names: c.2906T>G, p.Leu969Arg (NM_001354263.2); short protein forms L969R, L976R.
Identifiers: ClinVar variation 654596 (VCV000654596.38), dbSNP rs147956904, ClinGen allele CA5375105.
Genomic context (GRCh38, chr9:137,813,065, plus strand): 5'-GCCTCTTTCTTTCTCGGGATTCAGATGTCACCTTAAAGAACAAGGAAGGAGAGACGCCCC[T>G]GCAGTGTGCGAGCCTCAACTCTCAGGTGTGGAGCGCTCTGCAGATGAGCAAGGCTCTGCA-3'
Protein context (NP_079033.4, residues 966-986): TLKNKEGETP[Leu976Arg]QCASLNSQVW